The following is an entry in ClinVar:

ClinVar aggregate classification (germline): Uncertain significance. Review status: criteria provided, multiple submitters, no conflicts (2 of 4 stars). 2 submissions from 2 submitters: Uncertain significance (2). Last evaluated 2026-08-12.

Conditions:
Ehlers-Danlos syndrome, classic type, 1 (EDSCL1). Also called: Ehlers-Danlos syndrome, type 1; EDS I; EHLERS-DANLOS SYNDROME, GRAVIS TYPE; EHLERS-DANLOS SYNDROME, SEVERE CLASSIC TYPE; Ehlers-Danlos Syndrome, Classic Type, COL5A1-Related. Identifiers: MedGen C0268335, MONDO:0019567, OMIM 130000.
Osteogenesis imperfecta type I (OI1). Also called: OI, TYPE I; OSTEOGENESIS IMPERFECTA TARDA; OSTEOGENESIS IMPERFECTA WITH BLUE SCLERAE; Lobstein's Disease; Lobstein disease; Classic Non-deforming Osteogenesis Imperfecta with Blue Sclerae. Identifiers: Orphanet 216796, Orphanet 666, MedGen C0023931, MONDO:0008146, OMIM 166200. Disease mechanism: loss of function.
Cardiovascular phenotype. Identifiers: MedGen CN230736.

Allele frequency attached by ClinVar (database versions not stated): gnomAD exomes below 0.00001; ExAC 0.00001; gnomAD 0.00001; TOPMed 0.00003.
gnomAD v4.1: 1 of 1,613,010 alleles (0.000062%); highest among the groups gnomAD compares: South Asian, 0.0011%; no homozygotes.

Submissions (2):

Ambry Genetics
Classification: Uncertain significance for Cardiovascular phenotype. Last evaluated: 2026-08-12. Review status: criteria provided, single submitter. Criteria: Ambry Variant Classification Scheme 2023. Collection method: clinical testing. Allele origin: germline.

Labcorp Genetics (formerly Invitae), Labcorp
Classification: Uncertain significance for Osteogenesis imperfecta type I; Ehlers-Danlos syndrome, classic type, 1. Last evaluated: 2020-02-28. Review status: criteria provided, single submitter. Criteria: Invitae Variant Classification Sherloc (09022015). Collection method: clinical testing. Allele origin: germline.
Comment: In summary, the available evidence is currently insufficient to determine the role of this variant in disease. Therefore, it has been classified as a Variant of Uncertain Significance. This sequence change replaces proline with serine at codon 963 of the COL1A2 protein (p.Pro963Ser). The proline residue is highly conserved and there is a moderate physicochemical difference between proline and serine. This variant is present in population databases (rs760780128, ExAC 0.007%). This variant has not been reported in the literature in individuals with COL1A2-related conditions. Experimental studies and prediction algorithms are not available or were not evaluated, and the functional significance of this variant is currently unknown.

NM_000089.4(COL1A2):c.2887C>T (p.Pro963Ser)

Gene: COL1A2 (collagen type I alpha 2 chain; plus strand). Cytogenetic location: 7q21.3.
Variant type: single nucleotide variant.
Coding change: c.2887C>T on transcript NM_000089.4 (MANE Select); coding-DNA position 2887, C replaced by T.
Protein change: p.Pro963Ser; replaces proline 963 with serine.
Molecular consequence: missense variant.
Genome position (GRCh38, 1-based): chr7:94,425,801, C>T. VCF-style: chr7-94425801-C-T. GRCh37 (hg19) VCF-style: chr7-94055113-C-T.
Other names: c.2887C>T (NM_000089.3); short protein forms P963S.
Identifiers: ClinVar variation 1035041 (VCV001035041.11), dbSNP rs760780128, ClinGen allele CA4347593.